The following is an entry in ClinVar:

ClinVar aggregate classification (germline): Uncertain significance. Review status: criteria provided, multiple submitters, no conflicts (2 of 4 stars). 5 submissions from 5 submitters: Uncertain significance (5). Last evaluated 2025-07-29.

Conditions:
Familial adenomatous polyposis 1 (FAP1). Also called: FAMILIAL ADENOMATOUS POLYPOSIS 1, ATTENUATED; POLYPOSIS, ADENOMATOUS INTESTINAL. Identifiers: MedGen C2713442, MONDO:0021056, OMIM 175100. Disease mechanism: loss of function.
Classic or attenuated familial adenomatous polyposis. Identifiers: MedGen CN372698, MONDO:0021057.
Hereditary cancer-predisposing syndrome. Also called: Neoplastic Syndromes, Hereditary; Tumor predisposition; Hereditary Cancer Syndrome; Hereditary neoplastic syndrome. Identifiers: Orphanet 140162, MedGen C0027672, MeSH D009386, MONDO:0015356.

Submissions (5):

Women's Health and Genetics/Laboratory Corporation of America, LabCorp
Classification: Uncertain significance. Last evaluated: 2025-07-29. Review status: criteria provided, single submitter. Criteria: LabCorp Variant Classification Summary - May 2015. Collection method: clinical testing. Allele origin: germline.
Comment: Variant summary: APC c.2531C>T (p.Ser844Phe) results in a non-conservative amino acid change in the encoded protein sequence. Algorithms developed to predict the effect of missense changes on protein structure and function all suggest that this variant is likely to be disruptive. The variant was absent in 251146 control chromosomes. The available data on variant occurrences in the general population are insufficient to allow any conclusion about variant significance. To our knowledge, no occurrence of c.2531C>T in individuals affected with Familial Adenomatous Polyposis and no experimental evidence demonstrating its impact on protein function have been reported. ClinVar contains an entry for this variant (Variation ID: 821443). Based on the evidence outlined above, the variant was classified as uncertain significance.

Color Diagnostics, LLC DBA Color Health
Classification: Uncertain significance for Hereditary cancer-predisposing syndrome. Last evaluated: 2024-03-06. Review status: criteria provided, single submitter. Criteria: ACMG Guidelines, 2015. Collection method: clinical testing. Allele origin: germline.
Comment: This missense variant replaces serine with phenylalanine at codon 844 of the APC protein. Computational prediction suggests that this variant may not impact protein structure and function (internally defined REVEL score threshold <= 0.5, PMID: 27666373). To our knowledge, functional studies have not been reported for this variant. This variant has not been reported in individuals affected with APC-related disorders in the literature. This variant has not been identified in the general population by the Genome Aggregation Database (gnomAD). The available evidence is insufficient to determine the role of this variant in disease conclusively. Therefore, this variant is classified as a Variant of Uncertain Significance.

All of Us Research Program, National Institutes of Health
Classification: Uncertain significance for Classic or attenuated familial adenomatous polyposis. Last evaluated: 2023-08-15. Review status: criteria provided, single submitter. Criteria: ACMG Guidelines, 2015. Collection method: clinical testing. Allele origin: germline. Inheritance: Autosomal dominant inheritance. Observed: 1 variant allele, 1 heterozygote.
Comment: This missense variant replaces serine with phenylalanine at codon 844 of the APC protein. Computational prediction suggests that this variant may not impact protein structure and function (internally defined REVEL score threshold <= 0.5, PMID: 27666373). To our knowledge, functional studies have not been reported for this variant. This variant has not been reported in individuals affected with APC-related disorders in the literature. This variant has not been identified in the general population by the Genome Aggregation Database (gnomAD). The available evidence is insufficient to determine the role of this variant in disease conclusively. Therefore, this variant is classified as a Variant of Uncertain Significance.

This study involves interpretation of variants in research participants for the purpose of population health screening. Participant phenotype was not available at the time of variant classification. Additional details can be found in publication PMID: 35346344, PMCID: PMC8962531

Labcorp Genetics (formerly Invitae), Labcorp
Classification: Uncertain significance for Familial adenomatous polyposis 1. Last evaluated: 2022-12-26. Review status: criteria provided, single submitter. Criteria: Invitae Variant Classification Sherloc (09022015). Collection method: clinical testing. Allele origin: germline.
Comment: ClinVar contains an entry for this variant (Variation ID: 821443). In summary, the available evidence is currently insufficient to determine the role of this variant in disease. Therefore, it has been classified as a Variant of Uncertain Significance. Advanced modeling of protein sequence and biophysical properties (such as structural, functional, and spatial information, amino acid conservation, physicochemical variation, residue mobility, and thermodynamic stability) performed at Invitae indicates that this missense variant is not expected to disrupt APC protein function. This variant has not been reported in the literature in individuals affected with APC-related conditions. This variant is not present in population databases (gnomAD no frequency). This sequence change replaces serine, which is neutral and polar, with phenylalanine, which is neutral and non-polar, at codon 844 of the APC protein (p.Ser844Phe).

Ambry Genetics
Classification: Uncertain significance for Hereditary cancer-predisposing syndrome. Last evaluated: 2018-06-26. Review status: criteria provided, single submitter. Criteria: Ambry Variant Classification Scheme 2023. Collection method: clinical testing. Allele origin: germline.
Comment: The p.S844F variant (also known as c.2531C>T), located in coding exon 15 of the APC gene, results from a C to T substitution at nucleotide position 2531. The serine at codon 844 is replaced by phenylalanine, an amino acid with highly dissimilar properties. This amino acid position is well conserved in available vertebrate species. In addition, in silico predictors for this gene do not accurately predict pathogenicity. Since supporting evidence is limited at this time, the clinical significance of this alteration remains unclear.

NM_000038.6(APC):c.2531C>T (p.Ser844Phe)

Gene: APC (APC regulator of Wnt signaling pathway; plus strand). Cytogenetic location: 5q22.2.
Variant type: single nucleotide variant.
Coding change: c.2531C>T on transcript NM_000038.6 (MANE Select); coding-DNA position 2531, C replaced by T.
Protein change: p.Ser844Phe; replaces serine 844 with phenylalanine.
Molecular consequence: missense variant.
Genome position (GRCh38, 1-based): chr5:112,838,125, C>T. VCF-style: chr5-112838125-C-T. GRCh37 (hg19) VCF-style: chr5-112173822-C-T.
Other names: c.2531C>T, p.Ser844Phe (NM_001127510.3, NM_001354895.2); c.2477C>T, p.Ser826Phe (NM_001127511.3); c.2585C>T, p.Ser862Phe (NM_001354896.2); c.2561C>T, p.Ser854Phe (NM_001354897.2); c.2456C>T, p.Ser819Phe (NM_001354898.2); c.2447C>T, p.Ser816Phe (NM_001354899.2); c.2408C>T, p.Ser803Phe (NM_001354900.2); c.2354C>T, p.Ser785Phe (NM_001354901.2); and 5 more; short protein forms S743F, S785F, S816F, S826F, S854F, S819F, S844F, S862F.
Identifiers: ClinVar variation 821443 (VCV000821443.21), dbSNP rs1554084247, ClinGen allele CA16026880.
Genomic context (GRCh38, chr5:112,838,125, plus strand): 5'-CATATTTGAATACTACAGTGTTACCCAGCTCCTCTTCATCAAGAGGAAGCTTAGATAGTT[C>T]TCGTTCTGAAAAAGATAGAAGTTTGGAGAGAGAACGCGGAATTGGTCTAGGCAACTACCA-3'
Protein context (NP_000029.2, residues 834-854): SSSSRGSLDS[Ser844Phe]RSEKDRSLER